The following is an entry in ClinVar:

NM_001386795.1(DTNA):c.1352T>C (p.Leu451Pro)

Gene: DTNA (dystrobrevin alpha; plus strand). Cytogenetic location: 18q12.1.
Variant type: single nucleotide variant.
Coding change: c.1352T>C on transcript NM_001386795.1 (MANE Select); coding-DNA position 1352, T replaced by C.
Protein change: p.Leu451Pro; replaces leucine 451 with proline.
Molecular consequence: missense variant. On other transcripts: intron variant (1).
Genome position (GRCh38, 1-based): chr18:34,848,301, T>C. VCF-style: chr18-34848301-T-C. GRCh37 (hg19) VCF-style: chr18-32428265-T-C.
Other names: c.1091T>C, p.Leu364Pro (NM_001198938.2, NM_001198939.2, NM_001198940.2 and 13 more transcripts); c.398T>C, p.Leu133Pro (NM_001198942.1); c.341T>C, p.Leu114Pro (NM_001198943.1); c.227T>C, p.Leu76Pro (NM_001198944.1); c.1181T>C, p.Leu394Pro (NM_001386754.1, NM_001386770.1, NM_001386755.1 and 5 more transcripts); c.1352T>C, p.Leu451Pro (NM_001386788.1); c.1271T>C, p.Leu424Pro (NM_001390.5, NM_001391.5); c.1100T>C, p.Leu367Pro (NM_032975.4, NM_032979.5, NM_001386761.1 and 1 more transcripts); and 5 more; short protein forms L114P, L133P, L364P, L367P, L421P, L424P, L46P, L72P.
Identifiers: ClinVar variation 1016789 (VCV001016789.10), dbSNP rs2096416305, ClinGen allele CA402173394.
Genomic context (GRCh38, chr18:34,848,301, plus strand): 5'-TGCAGCAATCTTTCTCAGTTGCCTAACGGTCTCCTTCTTGCTTTGTTCTTAATAGCATGC[T>C]TGAGAGTTCAAACCGGCTTGATGAAGAACACAGGCTAATTGCCAGGTATGCGGCAAGGCT-3'
Protein context (NP_001373724.1, residues 441-461): NMLRNNPSCM[Leu451Pro]ESSNRLDEEH

ClinVar aggregate classification (germline): Uncertain significance. Review status: criteria provided, multiple submitters, no conflicts (2 of 4 stars). 3 submissions from 3 submitters: Uncertain significance (3). Last evaluated 2024-10-22.

Conditions:
Left ventricular noncompaction 1 (LVNC1). Also called: LEFT VENTRICULAR NONCOMPACTION 1 WITH OR WITHOUT CONGENITAL HEART DEFECTS. Identifiers: Orphanet 54260, MedGen C1858725, MONDO:0011403, OMIM 604169.

Allele frequency attached by ClinVar (database versions not stated): gnomAD 0.00001; gnomAD exomes below 0.00001; TOPMed below 0.00001.
gnomAD v4.1: 3 of 1,613,864 alleles (0.00019%); highest among the groups gnomAD compares: Non-Finnish European, 0.00025%; no homozygotes.

Submissions (3):

Labcorp Genetics (formerly Invitae), Labcorp
Classification: Uncertain significance for Left ventricular noncompaction 1. Last evaluated: 2024-10-22. Review status: criteria provided, single submitter. Criteria: Invitae Variant Classification Sherloc (09022015). Collection method: clinical testing. Allele origin: germline.
Comment: This sequence change replaces leucine, which is neutral and non-polar, with proline, which is neutral and non-polar, at codon 421 of the DTNA protein (p.Leu421Pro). This variant is not present in population databases (gnomAD no frequency). This variant has not been reported in the literature in individuals affected with DTNA-related conditions. ClinVar contains an entry for this variant (Variation ID: 1016789). An algorithm developed to predict the effect of missense changes on protein structure and function (PolyPhen-2) suggests that this variant is likely to be tolerated. In summary, the available evidence is currently insufficient to determine the role of this variant in disease. Therefore, it has been classified as a Variant of Uncertain Significance.

Baylor Genetics
Classification: Uncertain significance for Left ventricular noncompaction 1. Last evaluated: 2023-01-31. Review status: criteria provided, single submitter. Criteria: ACMG Guidelines, 2015. Collection method: clinical testing. Allele origin: unknown.

Clinical Genomics Laboratory, Stanford Medicine
Classification: Uncertain significance. Last evaluated: 2022-08-15. Review status: criteria provided, single submitter. Criteria: ACMG Guidelines, 2015. Collection method: clinical testing. Allele origin: germline. Observed: 1 variant allele, 1 heterozygote.
Comment: The p.Leu424Pro variant in the DTNA gene has not been previously reported in association with disease. This variant was absent from large population databases, including the Genome Aggregation Database. This variant is present in ClinVar (Accession: VCV001016789.9). Computational tools predict that this variant is deleterious; however, the accuracy of in silico algorithms is limited. These data were assessed using the ACMG/AMP variant interpretation guidelines. In summary, the significance of the p.Leu424Pro variant is uncertain. Additional information is needed to resolve the significance of this variant. [ACMG evidence codes used: PM2; PP3]